The following is an entry in ClinVar:

ClinVar aggregate classification (germline): Uncertain significance (1 of 4 stars; one submission).

Allele frequency attached by ClinVar (database versions not stated): TOPMed 0.00001; gnomAD 0.00001.
gnomAD v4.1: 4 of 1,613,920 alleles (0.00025%); highest among the groups gnomAD compares: Non-Finnish European, 0.00034%; no homozygotes.

Submission:

Labcorp Genetics (formerly Invitae), Labcorp
Classification: Uncertain significance. Last evaluated: 2021-04-08. Review status: criteria provided, single submitter. Criteria: Invitae Variant Classification Sherloc (09022015). Collection method: clinical testing. Allele origin: germline.
Comment: This variant has not been reported in the literature in individuals with POC1B-related conditions. In summary, the available evidence is currently insufficient to determine the role of this variant in disease. Therefore, it has been classified as a Variant of Uncertain Significance. Algorithms developed to predict the effect of missense changes on protein structure and function (SIFT, PolyPhen-2, Align-GVGD) all suggest that this variant is likely to be tolerated, but these predictions have not been confirmed by published functional studies and their clinical significance is uncertain. This variant is not present in population databases (ExAC no frequency). This sequence change replaces proline with serine at codon 381 of the POC1B protein (p.Pro381Ser). The proline residue is moderately conserved and there is a moderate physicochemical difference between proline and serine.

NM_172240.3(POC1B):c.1141C>T (p.Pro381Ser)

Genes: POC1B (POC1 centriolar protein B; minus strand), POC1B-DUSP6 (POC1B-DUSP6 readthrough; minus strand). Cytogenetic location: 12q21.33.
Variant type: single nucleotide variant.
Coding change: c.1141C>T on transcript NM_172240.3 (MANE Select); coding-DNA position 1141, C replaced by T.
Protein change: p.Pro381Ser; replaces proline 381 with serine.
Molecular consequence: missense variant. On other transcripts: non-coding transcript variant (2).
Genome position (GRCh38, 1-based): chr12:89,425,352, G>A on the plus strand (C>T on the coding strand, the complement: POC1B is on the minus strand). VCF-style: chr12-89425352-G-A. GRCh37 (hg19) VCF-style: chr12-89819129-G-A.
Other names: c.1015C>T, p.Pro339Ser (NM_001199777.2); short protein forms P381S, P339S.
Identifiers: ClinVar variation 1386006 (VCV001386006.6), dbSNP rs1379680343, ClinGen allele CA385986102.